The following is an entry in ClinVar:

NM_004415.4(DSP):c.2297+2T>C

Gene: DSP (desmoplakin; plus strand). Cytogenetic location: 6p24.3.
Variant type: single nucleotide variant.
Coding change: c.2297+2T>C on transcript NM_004415.4 (MANE Select); the canonical splice donor site of the intron after coding-DNA position 2297, T replaced by C.
Molecular consequence: splice donor variant.
Genome position (GRCh38, 1-based): chr6:7,574,254, T>C. VCF-style: chr6-7574254-T-C. GRCh37 (hg19) VCF-style: chr6-7574487-T-C.
Other names: c.2297+2T>C (NM_001319034.2, NM_001008844.3).
Identifiers: ClinVar variation 1473369 (VCV001473369.6), dbSNP rs796218194, ClinGen allele CA362681008.

ClinVar aggregate classification (germline): Likely pathogenic (1 of 4 stars; one submission).

Conditions:
Arrhythmogenic cardiomyopathy with wooly hair and keratoderma. Also called: Carvajal syndrome; Arrhythmogenic cardiomyopathy with woolly hair and keratoderma; Dilated cardiomyopathy with woolly hair and keratoderma; PALMOPLANTAR KERATODERMA WITH LEFT VENTRICULAR CARDIOMYOPATHY AND WOOLLY HAIR. Identifiers: Orphanet 65282, MedGen C1854063, MONDO:0011581, OMIM 605676.
Arrhythmogenic right ventricular dysplasia 8 (ARVD8). Also called: ARRHYTHMOGENIC RIGHT VENTRICULAR DYSPLASIA, FAMILIAL, 8; Arrhythmogenic Right Ventricular Dysplasia/Cardiomyopathy 8; ARRHYTHMOGENIC RIGHT VENTRICULAR CARDIOMYOPATHY 8. Identifiers: MedGen C1843896, MONDO:0011831, OMIM 607450.

Submission:

Labcorp Genetics (formerly Invitae), Labcorp
Classification: Likely pathogenic for Arrhythmogenic cardiomyopathy with wooly hair and keratoderma; Arrhythmogenic right ventricular dysplasia 8. Last evaluated: 2025-04-11. Review status: criteria provided, single submitter. Criteria: Invitae Variant Classification Sherloc (09022015). Collection method: clinical testing. Allele origin: germline.
Comment: This sequence change affects a donor splice site in intron 16 of the DSP gene. It is expected to disrupt RNA splicing. Variants that disrupt the donor or acceptor splice site typically lead to a loss of protein function (PMID: 16199547), and loss-of-function variants in DSP are known to be pathogenic (PMID: 20716751, 24503780, 25227139). This variant is not present in population databases (gnomAD no frequency). Disruption of this splice site has been observed in individual(s) with cardiomyopathy (PMID: 30847666). ClinVar contains an entry for this variant (Variation ID: 1473369). Algorithms developed to predict the effect of sequence changes on RNA splicing suggest that this variant may disrupt the consensus splice site. In summary, the currently available evidence indicates that the variant is pathogenic, but additional data are needed to prove that conclusively. Therefore, this variant has been classified as Likely Pathogenic.

Literature cited by the submitters: PubMed 16199547; PubMed 20716751; PubMed 24503780; PubMed 25227139; PubMed 30847666.